The following is an entry in ClinVar:

NM_000152.5(GAA):c.2040+20A>G

Gene: GAA (alpha glucosidase; plus strand). Cytogenetic location: 17q25.3.
Variant type: single nucleotide variant.
Coding change: c.2040+20A>G on transcript NM_000152.5 (MANE Select); 20 bases into the intron after coding-DNA position 2040, A replaced by G.
Molecular consequence: intron variant.
Genome position (GRCh38, 1-based): chr17:80,113,047, A>G. VCF-style: chr17-80113047-A-G. GRCh37 (hg19) VCF-style: chr17-78086846-A-G.
Other names: c.2040+20A>G (LRG_673t1, NM_001079803.3, NM_001079804.3).
Identifiers: ClinVar variation 92470 (VCV000092470.40), dbSNP rs2304836, ClinGen allele CA145764.

ClinVar aggregate classification (germline): Benign. Review status: criteria provided, multiple submitters, no conflicts (2 of 4 stars). 14 submissions from 14 submitters: Benign (9). 5 of the submissions do not count toward it. Last evaluated 2026-07-01.

Conditions:
Glycogen storage disease, type II (IOPD). Also called: POMPE DISEASE, INFANTILE-ONSET; GLYCOGEN STORAGE DISEASE II, INFANTILE-ONSET; ACID ALPHA-GLUCOSIDASE DEFICIENCY, INFANTILE-ONSET; GAA DEFICIENCY, INFANTILE-ONSET; ACID MALTASE DEFICIENCY, INFANTILE-ONSET; Glucosidase acid-1,4-alpha deficiency. Identifiers: Orphanet 365, MedGen C0017921, MONDO:0009290, OMIM 232300.

Allele frequency attached by ClinVar (database versions not stated): TOPMed 0.70358; 1000 Genomes Project 30x 0.71471; 1000 Genomes Project 0.71506; gnomAD exomes 0.71902; gnomAD 0.72004 and 0.72227; ESP Exome Variant Server 0.73336; ExAC 0.74408.
gnomAD v4.1: 1,185,667 of 1,600,158 alleles (74%); highest among the groups gnomAD compares: Middle Eastern, 82%; 441,246 homozygotes.

Submissions (14):

Genomenon, Inc
Classification: Benign for Glycogen storage disease, type II. Last evaluated: 2026-07-01. Review status: criteria provided, single submitter. Criteria: Genomenon Sequence Variant Interpretation Standards - Updated. Collection method: curation. Allele origin: germline. Affected: no.
Comment: GAA c.2040+20A>G is an intronic variant located in intron 14. This variant is present at high allele frequency in population databases. We classify GAA c.2040+20A>G as a benign variant.

Labcorp Genetics (formerly Invitae), Labcorp
Classification: Benign for Glycogen storage disease, type II. Last evaluated: 2026-02-04. Review status: criteria provided, single submitter. Criteria: Invitae Variant Classification Sherloc (09022015). Collection method: clinical testing. Allele origin: germline.

ARUP Laboratories, Molecular Genetics and Genomics, ARUP Laboratories
Classification: Benign for Glycogen storage disease, type II. Last evaluated: 2025-07-31. Review status: criteria provided, single submitter. Criteria: ARUP Molecular Germline Variant Investigation Process 2024. Collection method: clinical testing. Allele origin: germline.

Blueprint Genetics
Classification: Benign. Last evaluated: 2024-11-28. Review status: criteria provided, single submitter. Criteria: ACMG Guidelines, 2015. Collection method: clinical testing. Allele origin: germline.

Genome-Nilou Lab
Classification: Benign for Glycogen storage disease, type II. Last evaluated: 2021-06-10. Review status: criteria provided, single submitter. Criteria: ACMG Guidelines, 2015. Collection method: clinical testing. Allele origin: germline. Affected: no.

Eurofins Ntd Llc (ga)
Classification: Benign. Last evaluated: 2018-09-04. Review status: criteria provided, single submitter. Criteria: EGL ClinVar v180209 classification definitions. Collection method: clinical testing. Allele origin: germline. Observed: 121 variant alleles, 55 heterozygotes, 66 homozygotes.

GeneDx
Classification: Benign. Last evaluated: 2015-03-03. Review status: criteria provided, single submitter. Criteria: GeneDx Variant Classification Process June 2021. Collection method: clinical testing. Allele origin: germline. Affected: yes.
Comment: This variant is associated with the following publications: (PMID: 25626711)

Breakthrough Genomics
Classification: Benign. Review status: criteria provided, single submitter. Criteria: ACMG Guidelines, 2015. Collection method: not provided. Allele origin: germline. Inheritance: Autosomal recessive inheritance. Affected: yes.

PreventionGenetics, part of Exact Sciences
Classification: Benign. Review status: criteria provided, single submitter. Criteria: ACMG Guidelines, 2015. Collection method: clinical testing. Allele origin: germline.

Natera, Inc.
Classification: Benign for Glycogen storage disease type II. Last evaluated: 2019-09-09. Review status: no assertion criteria provided. Collection method: clinical testing. Allele origin: germline. Not counted in ClinVar's aggregate classification.

Mayo Clinic Laboratories, Mayo Clinic
Classification: Benign. Last evaluated: 2015-10-19. Review status: no assertion criteria provided. Collection method: clinical testing. Allele origin: unknown. Not counted in ClinVar's aggregate classification.

Diagnostic Laboratory, Department of Genetics, University Medical Center Groningen
Classification: Benign for Glycogen storage disease, type II. Review status: no assertion criteria provided. Collection method: clinical testing. Allele origin: germline. Affected: yes. Study: VKGL Data-share Consensus. Not counted in ClinVar's aggregate classification.

Genome Diagnostics Laboratory, University Medical Center Utrecht
Classification: Benign. Review status: no assertion criteria provided. Collection method: clinical testing. Allele origin: germline. Affected: yes. Study: VKGL Data-share Consensus. Not counted in ClinVar's aggregate classification.

Joint Genome Diagnostic Labs from Nijmegen and Maastricht, Radboudumc and MUMC+
Classification: Benign. Review status: no assertion criteria provided. Collection method: clinical testing. Allele origin: germline. Affected: yes. Study: VKGL Data-share Consensus. Not counted in ClinVar's aggregate classification.